The following is an entry in ClinVar:

NM_031229.4(RBCK1):c.709C>G (p.Arg237Gly)

Gene: RBCK1 (RANBP2-type and C3HC4-type zinc finger containing 1; plus strand). Cytogenetic location: 20p13.
Variant type: single nucleotide variant.
Coding change: c.709C>G on transcript NM_031229.4 (MANE Select); coding-DNA position 709, C replaced by G.
Protein change: p.Arg237Gly; replaces arginine 237 with glycine.
Molecular consequence: missense variant. On other transcripts: non-coding transcript variant (1).
Genome position (GRCh38, 1-based): chr20:419,684, C>G. VCF-style: chr20-419684-C-G. GRCh37 (hg19) VCF-style: chr20-400328-C-G.
Other names: c.360C>G, p.Ser120Arg (NM_001323956.2, NM_001323958.2); c.583C>G, p.Arg195Gly (NM_006462.6); short protein forms R195G, R237G, S120R.
Identifiers: ClinVar variation 947554 (VCV000947554.7), dbSNP rs762315366, ClinGen allele CA310620086.

ClinVar aggregate classification (germline): Uncertain significance. Review status: criteria provided, multiple submitters, no conflicts (2 of 4 stars). 2 submissions from 2 submitters: Uncertain significance (2). Last evaluated 2025-03-12.

Conditions:
RBCK1-related disorder. Also called: RBCK1-related condition.
Polyglucosan body myopathy type 1 (PGBM1). Also called: Polyglucosan body myopathy 1 with or without immunodeficiency; POLYGLUCOSAN BODY MYOPATHY WITHOUT IMMUNODEFICIENCY. Identifiers: Orphanet 329173, Orphanet 397937, MedGen C4014605, MONDO:0014389, OMIM 615895.

Allele frequency attached by ClinVar (database versions not stated): gnomAD 0.00001.
gnomAD v4.1: 28 of 1,577,466 alleles (0.0018%); highest among the groups gnomAD compares: South Asian, 0.0046%; no homozygotes.

Submissions (2):

PreventionGenetics, part of Exact Sciences
Classification: Uncertain significance for RBCK1-related condition. Last evaluated: 2025-03-12. Review status: criteria provided, single submitter. Criteria: ACMG Guidelines, 2015. Collection method: clinical testing. Allele origin: germline.
Comment: The RBCK1 c.709C>G variant is predicted to result in the amino acid substitution p.Arg237Gly. To our knowledge, this variant has not been reported in the literature. This variant is reported in 0.0% of alleles in individuals of African descent in gnomAD. At this time, the clinical significance of this variant is uncertain due to the absence of conclusive functional and genetic evidence.

Labcorp Genetics (formerly Invitae), Labcorp
Classification: Uncertain significance for Polyglucosan body myopathy type 1. Last evaluated: 2019-06-07. Review status: criteria provided, single submitter. Criteria: Invitae Variant Classification Sherloc (09022015). Collection method: clinical testing. Allele origin: germline.
Comment: This sequence change replaces arginine with glycine at codon 237 of the RBCK1 protein (p.Arg237Gly). The arginine residue is highly conserved and there is a moderate physicochemical difference between arginine and glycine. This variant is not present in population databases (ExAC no frequency). This variant has not been reported in the literature in individuals with RBCK1-related conditions. Algorithms developed to predict the effect of missense changes on protein structure and function (SIFT, PolyPhen-2, Align-GVGD) all suggest that this variant is likely to be tolerated, but these predictions have not been confirmed by published functional studies and their clinical significance is uncertain. In summary, the available evidence is currently insufficient to determine the role of this variant in disease. Therefore, it has been classified as a Variant of Uncertain Significance.